The following is an entry in ClinVar:

ClinVar aggregate classification (germline): Uncertain significance. Review status: criteria provided, multiple submitters, no conflicts (2 of 4 stars). 3 submissions from 3 submitters: Uncertain significance (3). Last evaluated 2023-11-16.

Conditions:
Emery-Dreifuss muscular dystrophy 4, autosomal dominant (EDMD4). Also called: EMERY-DREIFUSS MUSCULAR DYSTROPHY 4 WITH VARIABLE FEATURES. Identifiers: Orphanet 261, MedGen C2751807, MONDO:0013071, OMIM 612998.
Autosomal recessive ataxia, Beauce type. Also called: SYNE1-Related Autosomal Recessive Cerebellar Ataxia; Spinocerebellar ataxia, autosomal recessive 8; ATAXIA, RECESSIVE, OF BEAUCE; SYNE1 Deficiency. Identifiers: Orphanet 88644, MedGen C1853116, MONDO:0012549, OMIM 610743.

Allele frequency attached by ClinVar (database versions not stated): TOPMed 0.00001; gnomAD 0.00002; gnomAD exomes 0.00002 and 0.00004; ExAC 0.00006; ESP Exome Variant Server 0.00008.
gnomAD v4.1: 28 of 1,614,072 alleles (0.0017%); highest among the groups gnomAD compares: Middle Eastern, 0.033%; no homozygotes.

Submissions (3):

Revvity Omics, Revvity
Classification: Uncertain significance. Last evaluated: 2023-11-16. Review status: criteria provided, single submitter. Criteria: ACMG Guidelines, 2015. Collection method: clinical testing. Allele origin: germline.

Labcorp Genetics (formerly Invitae), Labcorp
Classification: Uncertain significance for Emery-Dreifuss muscular dystrophy 4, autosomal dominant; Autosomal recessive ataxia, Beauce type. Last evaluated: 2022-08-16. Review status: criteria provided, single submitter. Criteria: Invitae Variant Classification Sherloc (09022015). Collection method: clinical testing. Allele origin: germline.
Comment: This sequence change replaces arginine, which is basic and polar, with histidine, which is basic and polar, at codon 8131 of the SYNE1 protein (p.Arg8131His). This variant is present in population databases (rs376102438, gnomAD 0.006%). This variant has not been reported in the literature in individuals affected with SYNE1-related conditions. ClinVar contains an entry for this variant (Variation ID: 471035). Algorithms developed to predict the effect of missense changes on protein structure and function are either unavailable or do not agree on the potential impact of this missense change (SIFT: "Deleterious"; PolyPhen-2: "Possibly Damaging"; Align-GVGD: "Class C0"). In summary, the available evidence is currently insufficient to determine the role of this variant in disease. Therefore, it has been classified as a Variant of Uncertain Significance.

Undiagnosed Diseases Network, NIH
Classification: Uncertain significance for Autosomal recessive ataxia, Beauce type. Last evaluated: 2020-11-17. Review status: criteria provided, single submitter. Criteria: ACMG Guidelines, 2015. Collection method: clinical testing. Allele origin: inherited. Inheritance: Autosomal recessive inheritance. Affected: yes. Observed: 1 variant allele, 1 homozygote. Study: Undiagnosed Diseases Network (NIH), UDN.

NM_182961.4(SYNE1):c.24605G>A (p.Arg8202His)

Gene: SYNE1 (spectrin repeat containing nuclear envelope protein 1; minus strand). Cytogenetic location: 6q25.2.
Variant type: single nucleotide variant.
Coding change: c.24605G>A on transcript NM_182961.4 (MANE Select); coding-DNA position 24605, G replaced by A.
Protein change: p.Arg8202His; replaces arginine 8202 with histidine.
Molecular consequence: missense variant.
Genome position (GRCh38, 1-based): chr6:152,149,514, C>T on the plus strand (G>A on the coding strand, the complement: SYNE1 is on the minus strand). VCF-style: chr6-152149514-C-T. GRCh37 (hg19) VCF-style: chr6-152470649-C-T.
Other names: c.1211G>A, p.Arg404His (NM_001347701.2); c.1070G>A, p.Arg357His (NM_001347702.2); c.24392G>A, p.Arg8131His (NM_033071.5); short protein forms R8202H, R8131H, R404H, R357H.
Identifiers: ClinVar variation 471035 (VCV000471035.9), dbSNP rs376102438, ClinGen allele CA4053139.
Genomic context (GRCh38, chr6:152,149,514, plus strand): 5'-CTAAGAAAATCAATGTTACATACAGGCAGGCGGATCAGTTTCTTATGGTATCTTTCCACA[C>T]GCCCGAAGACCTCCTGGCAGTACCGTCGGAGCTCATCTAGTTCCTCCTCGATGATCGCTG-3'
Protein context (NP_892006.3, residues 8192-8212): LRRYCQEVFG[Arg8202His]VERYHKKLIR